The following is an entry in ClinVar:

ClinVar aggregate classification (germline): Uncertain significance. Review status: criteria provided, multiple submitters, no conflicts (2 of 4 stars). 3 submissions from 3 submitters: Uncertain significance (3). Last evaluated 2026-05-21.

Conditions:
Hereditary cancer-predisposing syndrome. Also called: Tumor predisposition; Hereditary neoplastic syndrome; Neoplastic Syndromes, Hereditary; Hereditary Cancer Syndrome. Identifiers: Orphanet 140162, MedGen C0027672, MeSH D009386, MONDO:0015356.
Familial adenomatous polyposis 1 (FAP1). Also called: POLYPOSIS, ADENOMATOUS INTESTINAL; FAMILIAL ADENOMATOUS POLYPOSIS 1, ATTENUATED. Identifiers: MedGen C2713442, MONDO:0021056, OMIM 175100. Disease mechanism: loss of function.

Submissions (3):

Ambry Genetics
Classification: Uncertain significance for Hereditary cancer-predisposing syndrome. Last evaluated: 2026-05-21. Review status: criteria provided, single submitter. Criteria: Ambry Variant Classification Scheme 2023. Collection method: clinical testing. Allele origin: germline.
Comment: The p.S2134C variant (also known as c.6401C>G), located in coding exon 15 of the APC gene, results from a C to G substitution at nucleotide position 6401. The serine at codon 2134 is replaced by cysteine, an amino acid with dissimilar properties. This amino acid position is highly conserved in available vertebrate species. Missense variants in APC are not a common cause of disease (Spier I et al. Genet Med. 2024 Feb;26(2):100992). Based on the available evidence, the clinical significance of this variant remains unclear.

Labcorp Genetics (formerly Invitae), Labcorp
Classification: Uncertain significance for Familial adenomatous polyposis 1. Last evaluated: 2025-03-17. Review status: criteria provided, single submitter. Criteria: Invitae Variant Classification Sherloc (09022015). Collection method: clinical testing. Allele origin: germline.
Comment: This sequence change replaces serine, which is neutral and polar, with cysteine, which is neutral and slightly polar, at codon 2134 of the APC protein (p.Ser2134Cys). This variant is not present in population databases (gnomAD no frequency). This variant has not been reported in the literature in individuals affected with APC-related conditions. ClinVar contains an entry for this variant (Variation ID: 470046). Invitae Evidence Modeling of protein sequence and biophysical properties (such as structural, functional, and spatial information, amino acid conservation, physicochemical variation, residue mobility, and thermodynamic stability) indicates that this missense variant is not expected to disrupt APC protein function with a negative predictive value of 95%. In summary, the available evidence is currently insufficient to determine the role of this variant in disease. Therefore, it has been classified as a Variant of Uncertain Significance.

Color Diagnostics, LLC DBA Color Health
Classification: Uncertain significance for Hereditary cancer-predisposing syndrome. Last evaluated: 2019-03-19. Review status: criteria provided, single submitter. Criteria: ACMG Guidelines, 2015. Collection method: clinical testing. Allele origin: germline.

NM_000038.6(APC):c.6401C>G (p.Ser2134Cys)

Gene: APC (APC regulator of Wnt signaling pathway; plus strand). Cytogenetic location: 5q22.2.
Variant type: single nucleotide variant.
Coding change: c.6401C>G on transcript NM_000038.6 (MANE Select); coding-DNA position 6401, C replaced by G.
Protein change: p.Ser2134Cys; replaces serine 2134 with cysteine.
Molecular consequence: missense variant.
Genome position (GRCh38, 1-based): chr5:112,841,995, C>G. VCF-style: chr5-112841995-C-G. GRCh37 (hg19) VCF-style: chr5-112177692-C-G.
Other names: c.6401C>G, p.Ser2134Cys (NM_001127510.3, NM_001354895.2); c.6347C>G, p.Ser2116Cys (NM_001127511.3); c.6455C>G, p.Ser2152Cys (NM_001354896.2); c.6431C>G, p.Ser2144Cys (NM_001354897.2); c.6326C>G, p.Ser2109Cys (NM_001354898.2); c.6317C>G, p.Ser2106Cys (NM_001354899.2); c.6278C>G, p.Ser2093Cys (NM_001354900.2); c.6224C>G, p.Ser2075Cys (NM_001354901.2); and 5 more; short protein forms S2116C, S2134C, S2144C, S2106C, S1974C, S2043C, S2075C, S2093C.
Identifiers: ClinVar variation 470046 (VCV000470046.14), dbSNP rs906640629, ClinGen allele CA16035348.